The following is an entry in ClinVar:

ClinVar aggregate classification (germline): Uncertain significance. Review status: criteria provided, multiple submitters, no conflicts (2 of 4 stars). 3 submissions from 3 submitters: Uncertain significance (3). Last evaluated 2025-12-30.

Conditions:
Neutropenia, severe congenital, 1, autosomal dominant. Identifiers: MedGen C1859966, MONDO:0042490, OMIM 202700.
Cyclical neutropenia. Also called: Cyclic hematopoiesis; Cyclic Neutropenia. Identifiers: Orphanet 2686, MedGen C0221023, MONDO:0008090, OMIM 162800, HP:0040289. Disease mechanism: loss of function.
Autoinflammatory syndrome. Identifiers: Orphanet 93665, MedGen C3890737, MONDO:0019751.

Allele frequency attached by ClinVar (database versions not stated): ExAC 0.00001; gnomAD exomes 0.00002 and 0.00005; TOPMed 0.00002; gnomAD 0.00003.

Submissions (3):

Labcorp Genetics (formerly Invitae), Labcorp
Classification: Uncertain significance for Neutropenia, severe congenital, 1, autosomal dominant; Cyclical neutropenia. Last evaluated: 2025-12-30. Review status: criteria provided, single submitter. Criteria: Invitae Variant Classification Sherloc (09022015). Collection method: clinical testing. Allele origin: germline.
Comment: This sequence change replaces arginine, which is basic and polar, with glutamine, which is neutral and polar, at codon 92 of the ELANE protein (p.Arg92Gln). This variant is present in population databases (rs755088297, gnomAD 0.004%). This variant has not been reported in the literature in individuals affected with ELANE-related conditions. ClinVar contains an entry for this variant (Variation ID: 242279). Invitae Evidence Modeling of protein sequence and biophysical properties (such as structural, functional, and spatial information, amino acid conservation, physicochemical variation, residue mobility, and thermodynamic stability) indicates that this missense variant is not expected to disrupt ELANE protein function with a negative predictive value of 95%. In summary, the available evidence is currently insufficient to determine the role of this variant in disease. Therefore, it has been classified as a Variant of Uncertain Significance.

Genome Diagnostics Laboratory, The Hospital for Sick Children
Classification: Uncertain significance for Autoinflammatory syndrome. Last evaluated: 2016-12-12. Review status: criteria provided, single submitter. Criteria: ACMG Guidelines, 2015. Collection method: clinical testing. Allele origin: germline. Affected: yes.

GeneDx
Classification: Uncertain significance. Last evaluated: 2014-02-26. Review status: criteria provided, single submitter. Criteria: GeneDx Variant Classification (06012015). Collection method: clinical testing. Allele origin: germline. Affected: yes.
Comment: To our knowledge, the R92Q missense substitution has neither been published as a mutation, nor reported as a benign polymorphism. This variant was not observed in approximately 6,500 individuals of European and African American ancestry in the NHLBI Exome Sequencing Project, indicating it is not a common benign variant in these populations. R92Q represents a semi-conservative amino acid substitution as a positively charged Arginine residue is replaced with a neutral Glutamine residue. However, this substitution occurs at a position in the ELANE protein that is not conserved across species. In silico analysis predicts this variant likely does not alter the protein structure or function. Therefore, based on the currently available information, it is unclear whether the R92Q variant is a pathogenic mutation or a rare benign variant.

NM_001972.4(ELANE):c.275G>A (p.Arg92Gln)

Gene: ELANE (elastase, neutrophil expressed; plus strand). Cytogenetic location: 19p13.3.
Variant type: single nucleotide variant.
Coding change: c.275G>A on transcript NM_001972.4 (MANE Select); coding-DNA position 275, G replaced by A.
Protein change: p.Arg92Gln; replaces arginine 92 with glutamine.
Molecular consequence: missense variant.
Genome position (GRCh38, 1-based): chr19:853,312, G>A. VCF-style: chr19-853312-G-A. GRCh37 (hg19) VCF-style: chr19-853312-G-A.
Other names: c.275G>A (LRG_57t1); short protein forms R92Q.
Identifiers: ClinVar variation 242279 (VCV000242279.13), dbSNP rs755088297, ClinGen allele CA9025990.
Genomic context (GRCh38, chr19:853,312, plus strand): 5'-TCCCCGGCAGAAACGTCCGCGCGGTGCGGGTGGTCCTGGGAGCCCATAACCTCTCGCGGC[G>A]GGAGCCCACCCGGCAGGTGTTCGCCGTGCAGCGCATCTTCGAAAACGGCTACGACCCCGT-3'
Protein context (NP_001963.1, residues 82-102): VVLGAHNLSR[Arg92Gln]EPTRQVFAVQ